The following is an entry in ClinVar:

ClinVar aggregate classification (germline): Uncertain significance (1 of 4 stars; one submission).

gnomAD v4.1: 5 of 1,614,100 alleles (0.00031%); highest among the groups gnomAD compares: Non-Finnish European, 0.00042%; no homozygotes.

Submission:

Labcorp Genetics (formerly Invitae), Labcorp
Classification: Uncertain significance. Last evaluated: 2024-06-26. Review status: criteria provided, single submitter. Criteria: Invitae Variant Classification Sherloc (09022015). Collection method: clinical testing. Allele origin: germline.
Comment: This sequence change replaces proline, which is neutral and non-polar, with leucine, which is neutral and non-polar, at codon 2982 of the KMT2A protein (p.Pro2982Leu). This variant is present in population databases (no rsID available, gnomAD 0.007%). This variant has not been reported in the literature in individuals affected with KMT2A-related conditions. Advanced modeling of protein sequence and biophysical properties (such as structural, functional, and spatial information, amino acid conservation, physicochemical variation, residue mobility, and thermodynamic stability) performed at Invitae indicates that this missense variant is not expected to disrupt KMT2A protein function with a negative predictive value of 95%. In summary, the available evidence is currently insufficient to determine the role of this variant in disease. Therefore, it has been classified as a Variant of Uncertain Significance.

NM_001197104.2(KMT2A):c.8945C>T (p.Pro2982Leu)

Gene: KMT2A (lysine methyltransferase 2A; plus strand). Cytogenetic location: 11q23.3.
Variant type: single nucleotide variant.
Coding change: c.8945C>T on transcript NM_001197104.2 (MANE Select); coding-DNA position 8945, C replaced by T.
Protein change: p.Pro2982Leu; replaces proline 2982 with leucine.
Molecular consequence: missense variant.
Genome position (GRCh38, 1-based): chr11:118,504,837, C>T. VCF-style: chr11-118504837-C-T. GRCh37 (hg19) VCF-style: chr11-118375552-C-T.
Other names: c.9035C>T, p.Pro3012Leu (NM_001412597.1); c.8936C>T, p.Pro2979Leu (NM_005933.4); short protein forms P2979L, P3012L, P2982L.
Identifiers: ClinVar variation 3634347 (VCV003634347.2).